The following is an entry in ClinVar:

ClinVar aggregate classification (germline): Likely benign (1 of 4 stars; one submission).

gnomAD v4.1: 88 of 1,580,422 alleles (0.0056%); highest among the groups gnomAD compares: Non-Finnish European, 0.0071%; no homozygotes.

Submission:

CeGaT Center for Human Genetics Tuebingen
Classification: Likely benign. Last evaluated: 2025-04-01. Review status: criteria provided, single submitter. Criteria: CeGaT Center For Human Genetics Tuebingen Variant Classification Criteria Version 2. Collection method: clinical testing. Allele origin: germline. Affected: yes. Observed: 2 variant alleles.
Comment: PLXNB2: BP4, BP7

NM_012401.4(PLXNB2):c.1539C>T (p.Ser513=)

Gene: PLXNB2 (plexin B2; minus strand). Cytogenetic location: 22q13.33.
Variant type: single nucleotide variant.
Coding change: c.1539C>T on transcript NM_012401.4 (MANE Select); coding-DNA position 1539, C replaced by T.
Protein change: p.Ser513=; no amino-acid change (serine 513 retained).
Molecular consequence: synonymous variant.
Genome position (GRCh38, 1-based): chr22:50,287,736, G>A on the plus strand (C>T on the coding strand, the complement: PLXNB2 is on the minus strand). VCF-style: chr22-50287736-G-A. GRCh37 (hg19) VCF-style: chr22-50726165-G-A.
Other names: c.1539C>T, p.Ser513= (NM_001376864.1, NM_001376865.1, NM_001376866.1 and 20 more transcripts).
Identifiers: ClinVar variation 3778054 (VCV003778054.7).